The following is an entry in ClinVar:

ClinVar aggregate classification (germline): Likely benign. Review status: criteria provided, single submitter (1 of 4 stars). 3 submissions from 3 submitters: Likely benign (1). 2 of the submissions do not count toward it. Last evaluated 2026-05-08.

Conditions:
TRIM63-related disorder. Also called: TRIM63-related condition.

Allele frequency attached by ClinVar (database versions not stated): gnomAD 0.00001 and 0.00007; TOPMed 0.00003; 1000 Genomes Project 30x 0.00016; 1000 Genomes Project 0.00020.
gnomAD v4.1: 188 of 1,614,198 alleles (0.012%); highest among the groups gnomAD compares: South Asian, 0.18%; 3 homozygotes.

Submissions (3):

PreventionGenetics, part of Exact Sciences
Classification: Likely benign for TRIM63-related condition. Last evaluated: 2026-05-08. Review status: criteria provided, single submitter. Criteria: ACMG Guidelines, 2015. Collection method: clinical testing. Allele origin: germline.
Comment: This variant is classified as likely benign based on ACMG/AMP sequence variant interpretation guidelines (Richards et al. 2015 PMID: 25741868, with internal and published modifications).

Clinical Genetics DNA and cytogenetics Diagnostics Lab, Erasmus MC, Erasmus Medical Center
Classification: Likely benign. Review status: no assertion criteria provided. Collection method: clinical testing. Allele origin: germline. Affected: yes. Study: VKGL Data-share Consensus. Not counted in ClinVar's aggregate classification.

Genome Diagnostics Laboratory, University Medical Center Utrecht
Classification: Likely benign. Review status: no assertion criteria provided. Collection method: clinical testing. Allele origin: germline. Affected: yes. Study: VKGL Data-share Consensus. Not counted in ClinVar's aggregate classification.

NM_032588.4(TRIM63):c.644C>T (p.Thr215Met)

Gene: TRIM63 (tripartite motif containing 63; minus strand). Cytogenetic location: 1p36.11.
Variant type: single nucleotide variant.
Coding change: c.644C>T on transcript NM_032588.4 (MANE Select); coding-DNA position 644, C replaced by T.
Protein change: p.Thr215Met; replaces threonine 215 with methionine.
Molecular consequence: missense variant.
Genome position (GRCh38, 1-based): chr1:26,058,577, G>A on the plus strand (C>T on the coding strand, the complement: TRIM63 is on the minus strand). VCF-style: chr1-26058577-G-A. GRCh37 (hg19) VCF-style: chr1-26385068-G-A.
Other names: c.644C>T (NM_032588.3); short protein forms T215M.
Identifiers: ClinVar variation 1285096 (VCV001285096.3), dbSNP rs537877132, ClinGen allele CA699583.